The following is an entry in ClinVar:

NM_000284.4(PDHA1):c.762_831+2del

Gene: PDHA1 (pyruvate dehydrogenase E1 subunit alpha 1; plus strand). Cytogenetic location: Xp22.12.
Variant type: Deletion.
Coding change: c.762_831+2del on transcript NM_000284.4 (MANE Select); coding-DNA position 762 through the canonical splice donor site of the intron after coding-DNA position 831, 72 bases deleted.
Molecular consequence: splice acceptor variant, splice donor variant.
Genome position (GRCh38, 1-based): chrX:19,355,688-19,355,759, 72 bases deleted. GRCh37 (hg19): chrX:19,373,806-19,373,877.
Other names: c.876_945+2del (NM_001173454.2); c.783_852+2del (NM_001173455.2); c.669_738+2del (NM_001173456.2).
Identifiers: ClinVar variation 4070368 (VCV004070368.1).

ClinVar aggregate classification (germline): Likely pathogenic (0 of 4 stars; one submission).

Conditions:
Pyruvate dehydrogenase E1-alpha deficiency (PDHAD). Also called: ATAXIA, INTERMITTENT, WITH PYRUVATE DEHYDROGENASE DEFICIENCY; ATAXIA WITH LACTIC ACIDOSIS I; ATAXIA, INTERMITTENT, WITH ABNORMAL PYRUVATE METABOLISM; Ataxia, intermittent, with pyruvate dehydrogenase, or decarboxylase, deficiency. Identifiers: Orphanet 79243, MedGen C1839413, MONDO:0010717, OMIM 312170.

Submission:

PDHA1 Study Group, University Children’s Hospital, Paracelsus Medical University
Classification: Likely pathogenic for Pyruvate dehydrogenase E1-alpha deficiency. Last evaluated: 2024-10-15. Review status: no assertion criteria provided. Collection method: research. Allele origin: germline. Affected: yes. Observed: 1 variant allele.
Comment: The NM_000284.3:c.762_831+2del (p.?) variant affects splicing in PDHA1 gene. The variant has been reported in 1 published case (PMIDs: 10679936). Last literature search: July 12, 2024. This variant is absent or extremely rare in population-based cohorts in the Genome Aggregation Database (gnomAD). Individuals harboring this variant presented with clinical features compatible with PDHA1-related PDHc deficiency. In summary, this variant meets criteria to be classified as likely pathogenic (LP) for PDHA1-related PDHc deficiency based on the ACMG/AMP criteria applied: PS3, PM2, PM7, PP3 (last assessment October 15, 2024).

Literature cited by the submitters: PubMed 10679936; DOI 10.1093/brain/awaf430.